The following is an entry in ClinVar:

NM_133433.4(NIPBL):c.5137A>G (p.Thr1713Ala)

Gene: NIPBL (NIPBL cohesin loading factor; plus strand). Cytogenetic location: 5p13.2.
Variant type: single nucleotide variant.
Coding change: c.5137A>G on transcript NM_133433.4 (MANE Select); coding-DNA position 5137, A replaced by G.
Protein change: p.Thr1713Ala; replaces threonine 1713 with alanine.
Molecular consequence: missense variant.
Genome position (GRCh38, 1-based): chr5:37,020,585, A>G. VCF-style: chr5-37020585-A-G. GRCh37 (hg19) VCF-style: chr5-37020687-A-G.
Other names: c.5137A>G, p.Thr1713Ala (NM_015384.5); short protein forms T1713A.
Identifiers: ClinVar variation 1745577 (VCV001745577.10), dbSNP rs749567855, ClinGen allele CA3236703.
Genomic context (GRCh38, chr5:37,020,585, plus strand): 5'-AAATCACAAAAAGATGAAGAATCATCTGAAGGAACACATCATGCAAAGGAAATTGAGACA[A>G]CTGGCCAAATTATGCATCGAGCTGAAAACCGAAAAAAGTTTCTTAGAAGCATTATCAAAA-3'
Protein context (NP_597677.2, residues 1703-1723): GTHHAKEIET[Thr1713Ala]GQIMHRAENR

ClinVar aggregate classification (germline): Uncertain significance. Review status: criteria provided, multiple submitters, no conflicts (2 of 4 stars). 5 submissions from 5 submitters: Uncertain significance (4). 1 of the submissions does not count toward it. Last evaluated 2025-10-03.

Conditions:
NIPBL-related disorder. Also called: NIPBL-related condition.
Inborn genetic diseases. Identifiers: MedGen C0950123, MeSH D030342.
Cornelia de Lange syndrome 1 (CDLS1). Also called: TYPUS DEGENERATIVUS AMSTELODAMENSIS; Brachmann de Lange syndrome; NIPBL-Related Cornelia de Lange Syndrome. Identifiers: Orphanet 199, MedGen C4551851, MONDO:0007387, OMIM 122470.

Allele frequency attached by ClinVar (database versions not stated): gnomAD 0.00001; TOPMed 0.00003; ExAC 0.00006.
gnomAD v4.1: 22 of 1,613,964 alleles (0.0014%); highest among the groups gnomAD compares: Admixed American, 0.035%; no homozygotes.

Submissions (5):

Women's Health and Genetics/Laboratory Corporation of America, LabCorp
Classification: Uncertain significance. Last evaluated: 2025-10-03. Review status: criteria provided, single submitter. Criteria: LabCorp Variant Classification Summary - May 2015. Collection method: clinical testing. Allele origin: germline.
Comment: Variant summary: NIPBL c.5137A>G (p.Thr1713Ala) results in a non-conservative amino acid change in the encoded protein sequence. Algorithms developed to predict the effect of missense changes on protein structure and function all suggest that this variant is likely to be disruptive. The variant allele was found at a frequency of 8e-05 in 251314 control chromosomes. This frequency is not significantly higher than estimated for disease-causing variants in NIPBL, allowing no conclusion about variant significance. To our knowledge, no occurrence of c.5137A>G in individuals affected with NIPBL-related conditions and no experimental evidence demonstrating its impact on protein function have been reported. ClinVar contains an entry for this variant (Variation ID: 1745577). Based on the evidence outlined above, the variant was classified as uncertain significance.

Labcorp Genetics (formerly Invitae), Labcorp
Classification: Uncertain significance for Cornelia de Lange syndrome 1. Last evaluated: 2025-06-04. Review status: criteria provided, single submitter. Criteria: Invitae Variant Classification Sherloc (09022015). Collection method: clinical testing. Allele origin: germline.
Comment: This sequence change replaces threonine, which is neutral and polar, with alanine, which is neutral and non-polar, at codon 1713 of the NIPBL protein (p.Thr1713Ala). This variant is present in population databases (rs749567855, gnomAD 0.06%), and has an allele count higher than expected for a pathogenic variant. This variant has not been reported in the literature in individuals affected with NIPBL-related conditions. ClinVar contains an entry for this variant (Variation ID: 1745577). Invitae Evidence Modeling of protein sequence and biophysical properties (such as structural, functional, and spatial information, amino acid conservation, physicochemical variation, residue mobility, and thermodynamic stability) has been performed for this missense variant. However, the output from this modeling did not meet the statistical confidence thresholds required to predict the impact of this variant on NIPBL protein function. In summary, the available evidence is currently insufficient to determine the role of this variant in disease. Therefore, it has been classified as a Variant of Uncertain Significance.

Fulgent Genetics
Classification: Uncertain significance for Cornelia de Lange syndrome 1. Last evaluated: 2024-03-18. Review status: criteria provided, single submitter. Criteria: ACMG Guidelines, 2015. Collection method: clinical testing. Allele origin: germline.

Ambry Genetics
Classification: Uncertain significance for Inborn genetic diseases. Last evaluated: 2018-06-25. Review status: criteria provided, single submitter. Criteria: Ambry Variant Classification Scheme 2023. Collection method: clinical testing. Allele origin: germline.
Comment: The p.T1713A variant (also known as c.5137A>G), located in coding exon 25 of the NIPBL gene, results from an A to G substitution at nucleotide position 5137. The threonine at codon 1713 is replaced by alanine, an amino acid with similar properties. This amino acid position is highly conserved in available vertebrate species. In addition, this alteration is predicted to be deleterious by in silico analysis. Since supporting evidence is limited at this time, the clinical significance of this alteration remains unclear.

PreventionGenetics, part of Exact Sciences
Classification: Likely benign for NIPBL-related condition. Last evaluated: 2023-09-06. Review status: no assertion criteria provided. Collection method: clinical testing. Allele origin: germline. Not counted in ClinVar's aggregate classification.
Comment: This variant is classified as likely benign based on ACMG/AMP sequence variant interpretation guidelines (Richards et al. 2015 PMID: 25741868, with internal and published modifications).